The following is an entry in ClinVar:

ClinVar aggregate classification (germline): Uncertain significance. Review status: reviewed by expert panel (3 of 4 stars). 2 submissions from 2 submitters: Uncertain significance (1). 1 of the submissions does not count toward it. Last evaluated 2019-03-23.

Conditions:
Phenylketonuria (PKU). Also called: Phenylketonuria (PKU); FOLLING DISEASE; OLIGOPHRENIA PHENYLPYRUVICA; Phenylketonurias. Identifiers: Orphanet 716, MedGen C0031485, MONDO:0009861, OMIM 261600. Disease mechanism: loss of function.

Submissions (2):

ClinGen PAH Variant Curation Expert Panel
Classification: Uncertain significance for Phenylketonuria. Last evaluated: 2019-03-23. Review status: reviewed by expert panel. Criteria: ClinGen PAH ACMG Specifications v1. Collection method: curation. Allele origin: germline. Inheritance: Autosomal recessive inheritance.
Comment: The c.60G>C (p.Q20H) variant has been reported in 1 patient with PKU (not excluding BH4 deficiency), who carried 2 pathogenic variants (p.R158Q, p.R408W) in PAH (PMID: 18321666, PMID: 23430918). This variant is absent from population databases, including 1000 Genomes, ESP, and gnomAD. A deleterious effect is predicted in SIFT, Polyphen-2, MutationTaster, and REVEL=0.571. In summary, this variant meets our criteria to be classified as uncertain significance for PAH. PAH-specific ACMG/AMP criteria applied: PP3, PM2, PP4.

DeBelle Laboratory for Biochemical Genetics, MUHC/MCH RESEARCH INSTITUTE
No classification provided. Review status: no classification provided. Collection method: not provided. Allele origin: not provided. Not counted in ClinVar's aggregate classification.

Literature cited by the submitters: PubMed 18321666 (cited by ClinGen PAH Variant Curation Expert Panel).

NM_000277.3(PAH):c.60G>C (p.Gln20His)

Gene: PAH (phenylalanine hydroxylase; minus strand). Cytogenetic location: 12q23.2.
Variant type: single nucleotide variant.
Coding change: c.60G>C on transcript NM_000277.3 (MANE Select); coding-DNA position 60, G replaced by C.
Protein change: p.Gln20His; replaces glutamine 20 with histidine.
Molecular consequence: missense variant.
Genome position (GRCh38, 1-based): chr12:102,917,071, C>G on the plus strand (G>C on the coding strand, the complement: PAH is on the minus strand). VCF-style: chr12-102917071-C-G. GRCh37 (hg19) VCF-style: chr12-103310849-C-G.
Other names: c.60G>C, p.Gln20His (NM_001354304.2); short protein forms Q20H.
Identifiers: ClinVar variation 102757 (VCV000102757.2), dbSNP rs199475688, ClinGen allele CA229651.